The following is an entry in ClinVar:

ClinVar aggregate classification (germline): Uncertain significance (1 of 4 stars; one submission).

Submission:

Labcorp Genetics (formerly Invitae), Labcorp
Classification: Uncertain significance. Last evaluated: 2022-06-22. Review status: criteria provided, single submitter. Criteria: Invitae Variant Classification Sherloc (09022015). Collection method: clinical testing. Allele origin: germline.
Comment: This sequence change replaces proline, which is neutral and non-polar, with glutamine, which is neutral and polar, at codon 3965 of the FAT4 protein (p.Pro3965Gln). This variant is not present in population databases (gnomAD no frequency). This variant has not been reported in the literature in individuals affected with FAT4-related conditions. Advanced modeling of protein sequence and biophysical properties (such as structural, functional, and spatial information, amino acid conservation, physicochemical variation, residue mobility, and thermodynamic stability) performed at Invitae indicates that this missense variant is not expected to disrupt FAT4 protein function. In summary, the available evidence is currently insufficient to determine the role of this variant in disease. Therefore, it has been classified as a Variant of Uncertain Significance.

NM_001291303.3(FAT4):c.11900C>A (p.Pro3967Gln)

Gene: FAT4 (FAT atypical cadherin 4; plus strand). Cytogenetic location: 4q28.1.
Variant type: single nucleotide variant.
Coding change: c.11900C>A on transcript NM_001291303.3 (MANE Select); coding-DNA position 11900, C replaced by A.
Protein change: p.Pro3967Gln; replaces proline 3967 with glutamine.
Molecular consequence: missense variant.
Genome position (GRCh38, 1-based): chr4:125,463,662, C>A. VCF-style: chr4-125463662-C-A. GRCh37 (hg19) VCF-style: chr4-126384817-C-A.
Other names: c.11900C>A, p.Pro3967Gln (NM_001291285.3); c.11894C>A, p.Pro3965Gln (NM_024582.6); short protein forms P3967Q, P3965Q.
Identifiers: ClinVar variation 2045108 (VCV002045108.1), dbSNP rs1396207644, ClinGen allele CA358125593.
Genomic context (GRCh38, chr4:125,463,662, plus strand): 5'-ACCCCTGCTTTAATGGTGGTTCCTGCCAAAGTGGTGTGGATTCTTATTATTGTCATTGTC[C>A]ATTTGGTGAGTAAAACTTATTTGTTGATATAAAATATAAGTTTATTTTTGCACACAGTTT-3'
Protein context (NP_001278232.1, residues 3957-3977): SGVDSYYCHC[Pro3967Gln]FGVFGKHCEL